The following is an entry in ClinVar:

ClinVar aggregate classification (germline): Uncertain significance. Review status: criteria provided, multiple submitters, no conflicts (2 of 4 stars). 2 submissions from 2 submitters: Uncertain significance (2). Last evaluated 2025-01-01.

Conditions:
Nystagmus 6, congenital, X-linked (NYS6). Identifiers: MedGen C3151752, MONDO:0010435, OMIM 300814.
Ocular albinism, type I (OA1). Also called: Ocular albinism, type I, Nettleship-Falls type; Ocular Albinism type 1; X-linked recessive ocular albinism; NETTLESHIP-FALLS TYPE OCULAR ALBINISM. Identifiers: Orphanet 54, MedGen C0342684, MONDO:0021019, OMIM 300500.

Submissions (2):

Laboratory of Genetic Epidemiology, Research Centre for Medical Genetics
Classification: Uncertain significance for Nystagmus 6, congenital, X-linked; Ocular albinism, type I. Last evaluated: 2025-01-01. Review status: criteria provided, single submitter. Criteria: ACMG Guidelines, 2015. Collection method: clinical testing. Allele origin: unknown. Inheritance: Autosomal recessive inheritance. Affected: yes. Observed: 1 hemizygote.
Comment: This variant has not been previously reported in the literature, and is not listed in gnomAD v3.1.2. The affected amino acid position is located in transmembrane domain and evolutionarily conserved, and multiple in silico prediction tools support a deleterious effect. The SpliceAI tool predicts the donor gain with score 0.29. Taken together, the variant meets the following ACMG/AMP criteria and can be classified as uncertain significance with PM2, PP3, PP4 criteria.

Labcorp Genetics (formerly Invitae), Labcorp
Classification: Uncertain significance. Last evaluated: 2024-02-17. Review status: criteria provided, single submitter. Criteria: Invitae Variant Classification Sherloc (09022015). Collection method: clinical testing. Allele origin: germline.
Comment: This sequence change replaces glycine, which is neutral and non-polar, with valine, which is neutral and non-polar, at codon 303 of the GPR143 protein (p.Gly303Val). This variant is not present in population databases (gnomAD no frequency). This variant has not been reported in the literature in individuals affected with GPR143-related conditions. ClinVar contains an entry for this variant (Variation ID: 1512924). Advanced modeling of protein sequence and biophysical properties (such as structural, functional, and spatial information, amino acid conservation, physicochemical variation, residue mobility, and thermodynamic stability) performed at Invitae indicates that this missense variant is expected to disrupt GPR143 protein function with a positive predictive value of 80%. In summary, the available evidence is currently insufficient to determine the role of this variant in disease. Therefore, it has been classified as a Variant of Uncertain Significance.

Literature cited by the submitters: PubMed 41428507 (cited by Laboratory of Genetic Epidemiology, Research Centre for Medical Genetics).

NM_000273.3(GPR143):c.908G>T (p.Gly303Val)

Gene: GPR143 (G protein-coupled receptor 143; minus strand). Cytogenetic location: Xp22.2.
Variant type: single nucleotide variant.
Coding change: c.908G>T on transcript NM_000273.3 (MANE Select); coding-DNA position 908, G replaced by T.
Protein change: p.Gly303Val; replaces glycine 303 with valine.
Molecular consequence: missense variant.
Genome position (GRCh38, 1-based): chrX:9,739,697, C>A on the plus strand (G>T on the coding strand, the complement: GPR143 is on the minus strand). VCF-style: chrX-9739697-C-A. GRCh37 (hg19) VCF-style: chrX-9707737-C-A.
Other names: short protein forms G303V.
Identifiers: ClinVar variation 1512924 (VCV001512924.9), dbSNP rs2146684292, ClinGen allele CA411995552.
Genomic context (GRCh38, chrX:9,739,697, plus strand): 5'-GGAGACTGAAAACCCAGGCTGCATCCTGTCCAGCCGTAGAAGGCCAAAGACAAGAGAAAT[C>A]CCTGGGCTGGATTCAGGATTCCCTGGAGAGAGGACAGAAAGACACATGGCAGTCAGTGCA-3'
Protein context (NP_000264.2, residues 293-313): FIMGILNPAQ[Gly303Val]FLLSLAFYGW